The following is an entry in ClinVar:

NM_001042492.3(NF1):c.6979dup (p.Glu2327fs)

Gene: NF1 (neurofibromin 1; plus strand). Cytogenetic location: 17q11.2.
Variant type: Duplication.
Coding change: c.6979dup on transcript NM_001042492.3 (MANE Select); coding-DNA position 6979, one base duplicated (G; older notation c.6979dupG).
Protein change: p.Glu2327fs; shifts the reading frame from glutamic acid 2327.
Molecular consequence: frameshift variant.
Genome position (GRCh38, 1-based): chr17:31,340,562, G duplicated. VCF-style (leftmost placement, unchanged base first): chr17-31340561-T-TG. GRCh37 (hg19) VCF-style: chr17-29667579-T-TG.
Other names: c.6916dup, p.Glu2306Glyfs (NM_000267.4); short protein forms E2327fs, E2306fs.
Identifiers: ClinVar variation 947494 (VCV000947494.6), dbSNP rs2069791742, ClinGen allele CA1139665463.

ClinVar aggregate classification (germline): Pathogenic (1 of 4 stars; one submission).

Conditions:
Neurofibromatosis, type 1 (NF1). Also called: Peripheral type neurofibromatosis; Neurofibromatosis, type I; VON RECKLINGHAUSEN DISEASE; NEUROFIBROMATOSIS, TYPE I, SOMATIC. Identifiers: Orphanet 636, MedGen C0027831, MONDO:0018975, OMIM 162200. Disease mechanism: loss of function.

Submission:

Labcorp Genetics (formerly Invitae), Labcorp
Classification: Pathogenic for Neurofibromatosis, type 1. Last evaluated: 2020-03-30. Review status: criteria provided, single submitter. Criteria: Invitae Variant Classification Sherloc (09022015). Collection method: clinical testing. Allele origin: germline.
Comment: This variant is not present in population databases (ExAC no frequency). This sequence change creates a premature translational stop signal (p.Glu2306Glyfs*13) in the NF1 gene. It is expected to result in an absent or disrupted protein product. This variant has not been reported in the literature in individuals with NF1-related conditions. Loss-of-function variants in NF1 are known to be pathogenic (PMID: 10712197, 23913538). For these reasons, this variant has been classified as Pathogenic.

Literature cited by the submitters: PubMed 10712197; PubMed 23913538.